The following is an entry in ClinVar:

NM_017612.5(ZCCHC8):c.1139del (p.Asp380fs)

Gene: ZCCHC8 (zinc finger CCHC-type containing 8; minus strand). Cytogenetic location: 12q24.31.
Variant type: Deletion.
Coding change: c.1139del on transcript NM_017612.5 (MANE Select); coding-DNA position 1139, one base deleted (A; older notation c.1139delA).
Protein change: p.Asp380fs; shifts the reading frame from aspartic acid 380.
Molecular consequence: frameshift variant.
Genome position (GRCh38, 1-based): chr12:122,480,191, T deleted on the plus strand (A on the coding strand, the reverse complement: ZCCHC8 is on the minus strand). VCF-style (leftmost placement, unchanged base first): chr12-122480190-GT-G. GRCh37 (hg19) VCF-style: chr12-122964737-GT-G.
Other names: c.842del, p.Asp281fs (NM_001350936.2); c.425del, p.Asp142fs (NM_001350937.2, NM_001350938.2); c.908del, p.Asp303fs (NM_001350935.2); short protein forms D380fs, D281fs, D142fs, D303fs.
Identifiers: ClinVar variation 3724866 (VCV003724866.2).
Genomic context (GRCh38, chr12:122,480,190, plus strand): 5'-CCAATCTTTAACATAATAATATCACATCACATGATAATTTAAAAAAATCAATATACTTAC[GT>G]CTGGAATTCCTCTGGGAGTAGATATATTAAAACCAGGATAGTTGACCAATTTTGAGAGAT-3'

ClinVar aggregate classification (germline): Uncertain significance (1 of 4 stars; one submission).

Submission:

Labcorp Genetics (formerly Invitae), Labcorp
Classification: Uncertain significance. Last evaluated: 2024-11-08. Review status: criteria provided, single submitter. Criteria: Invitae Variant Classification Sherloc (09022015). Collection method: clinical testing. Allele origin: germline.
Comment: This sequence change creates a premature translational stop signal (p.Asp380Alafs*33) in the ZCCHC8 gene. It is expected to result in an absent or disrupted protein product. However, the current clinical and genetic evidence is not sufficient to establish whether loss-of-function variants in ZCCHC8 cause disease. This variant is not present in population databases (gnomAD no frequency). This variant has not been reported in the literature in individuals affected with ZCCHC8-related conditions. In summary, the available evidence is currently insufficient to determine the role of this variant in disease. Therefore, it has been classified as a Variant of Uncertain Significance.